The following is an entry in ClinVar:

ClinVar aggregate classification (germline): Uncertain significance (1 of 4 stars; one submission).

Conditions:
Aicardi-Goutieres syndrome 7 (AGS7). Identifiers: Orphanet 51, MedGen C3888244, MONDO:0014367, OMIM 615846.
Singleton-Merten syndrome 1 (SGMRT1). Also called: Widened medullary cavities of bone, aortic calcification, abnormal dentition, and muscular weakness; Syndrome of widened medullary cavities of the metacarpals and phalanges, aortic calcification and abnormal dentition. Identifiers: Orphanet 85191, MedGen C4225427, MONDO:0024535, OMIM 182250.

Submission:

Labcorp Genetics (formerly Invitae), Labcorp
Classification: Uncertain significance for Aicardi-Goutieres syndrome 7; Singleton-Merten syndrome 1. Last evaluated: 2020-10-29. Review status: criteria provided, single submitter. Criteria: Invitae Variant Classification Sherloc (09022015). Collection method: clinical testing. Allele origin: germline.
Comment: In summary, the available evidence is currently insufficient to determine the role of this variant in disease. Therefore, it has been classified as a Variant of Uncertain Significance. Algorithms developed to predict the effect of missense changes on protein structure and function (SIFT, PolyPhen-2, Align-GVGD) all suggest that this variant is likely to be tolerated, but these predictions have not been confirmed by published functional studies and their clinical significance is uncertain. This variant has not been reported in the literature in individuals with IFIH1-related conditions. This variant is not present in population databases (ExAC no frequency). This sequence change replaces phenylalanine with leucine at codon 991 of the IFIH1 protein (p.Phe991Leu). The phenylalanine residue is moderately conserved and there is a small physicochemical difference between phenylalanine and leucine.

NM_022168.4(IFIH1):c.2973C>A (p.Phe991Leu)

Gene: IFIH1 (interferon induced with helicase C domain 1; minus strand). Cytogenetic location: 2q24.2.
Variant type: single nucleotide variant.
Coding change: c.2973C>A on transcript NM_022168.4 (MANE Select); coding-DNA position 2973, C replaced by A.
Protein change: p.Phe991Leu; replaces phenylalanine 991 with leucine.
Molecular consequence: missense variant.
Genome position (GRCh38, 1-based): chr2:162,267,305, G>T on the plus strand (C>A on the coding strand, the complement: IFIH1 is on the minus strand). VCF-style: chr2-162267305-G-T. GRCh37 (hg19) VCF-style: chr2-163123815-G-T.
Other names: short protein forms F991L.
Identifiers: ClinVar variation 1044403 (VCV001044403.8), dbSNP rs763358277, ClinGen allele CA348988987.